The following is an entry in ClinVar:

NM_003114.5(SPAG1):c.172dup (p.Thr58fs)

Gene: SPAG1 (sperm associated antigen 1; plus strand). Cytogenetic location: 8q22.2.
Variant type: Duplication.
Coding change: c.172dup on transcript NM_003114.5 (MANE Select); coding-DNA position 172, one base duplicated (A; older notation c.172dupA).
Protein change: p.Thr58fs; shifts the reading frame from threonine 58.
Molecular consequence: frameshift variant.
Genome position (GRCh38, 1-based): chr8:100,165,845, A duplicated. VCF-style (leftmost placement, unchanged base first): chr8-100165844-T-TA. GRCh37 (hg19) VCF-style: chr8-101178072-T-TA.
Other names: c.172dup, p.Thr58fs (NM_001374321.1, NM_172218.3); short protein forms T58fs.
Identifiers: ClinVar variation 3693125 (VCV003693125.2).

ClinVar aggregate classification (germline): Pathogenic (1 of 4 stars; one submission).

Conditions:
Primary ciliary dyskinesia 28. Also called: CILIARY DYSKINESIA, PRIMARY, 28, WITH OR WITHOUT SITUS INVERSUS. Identifiers: Orphanet 244, MedGen C3809706, MONDO:0014216, OMIM 615505.

Submission:

Labcorp Genetics (formerly Invitae), Labcorp
Classification: Pathogenic for Primary ciliary dyskinesia 28. Last evaluated: 2024-09-17. Review status: criteria provided, single submitter. Criteria: Invitae Variant Classification Sherloc (09022015). Collection method: clinical testing. Allele origin: germline.
Comment: This sequence change creates a premature translational stop signal (p.Thr58Asnfs*5) in the SPAG1 gene. It is expected to result in an absent or disrupted protein product. Loss-of-function variants in SPAG1 are known to be pathogenic (PMID: 24055112). This variant is not present in population databases (gnomAD no frequency). This variant has not been reported in the literature in individuals affected with SPAG1-related conditions. For these reasons, this variant has been classified as Pathogenic.

Literature cited by the submitters: PubMed 24055112.